The following is an entry in ClinVar:

ClinVar aggregate classification (germline): Benign/Likely benign. Review status: criteria provided, multiple submitters, no conflicts (2 of 4 stars). 8 submissions from 8 submitters: Benign (1); Likely benign (6). 1 of the submissions does not count toward it. Last evaluated 2025-12-15.

Conditions:
Breast-ovarian cancer, familial, susceptibility to, 5 (BROVCA5). Identifiers: MedGen C5830615, MONDO:0957530, OMIM 620442.
Pancreatic cancer, susceptibility to, 3. Identifiers: Orphanet 1333, MedGen C3150547, MONDO:0013236, OMIM 613348.
Fanconi anemia complementation group N. Also called: PALB2-Related Fanconi Anemia. Identifiers: Orphanet 84, MedGen C1835817, MONDO:0012565, OMIM 610832. Disease mechanism: loss of function.
PALB2-related disorder. Also called: PALB2-related condition; PALB2-related disorders.
Hereditary cancer-predisposing syndrome. Also called: Hereditary neoplastic syndrome; Neoplastic Syndromes, Hereditary; Tumor predisposition; Hereditary Cancer Syndrome. Identifiers: Orphanet 140162, MedGen C0027672, MeSH D009386, MONDO:0015356.
Familial cancer of breast. Also called: BREAST CANCER, FAMILIAL; hereditary breast carcinoma; Hereditary breast cancer. Identifiers: Orphanet 227535, MedGen C0346153, MONDO:0016419, OMIM 114480. Disease mechanism: loss of function.

Allele frequency attached by ClinVar (database versions not stated): TOPMed 0.00003; gnomAD exomes below 0.00001; ExAC 0.00001; gnomAD 0.00001.
gnomAD v4.1: 5 of 1,614,120 alleles (0.00031%); highest among the groups gnomAD compares: African/African-American, 0.0067%; no homozygotes.

Submissions (8):

Labcorp Genetics (formerly Invitae), Labcorp
Classification: Likely benign for Familial cancer of breast. Last evaluated: 2025-12-15. Review status: criteria provided, single submitter. Criteria: Invitae Variant Classification Sherloc (09022015). Collection method: clinical testing. Allele origin: germline.

Myriad Genetics, Inc.
Classification: Benign for Familial cancer of breast. Last evaluated: 2025-01-13. Review status: criteria provided, single submitter. Criteria: Myriad Autosomal Dominant, Autosomal Recessive and X-Linked Classification Criteria (2023). Collection method: clinical testing. Allele origin: unknown.
Comment: This variant is considered benign. This variant is a silent/synonymous amino acid change and it is not expected to impact splicing.

Department of Pathology and Laboratory Medicine, Sinai Health System
Classification: Likely benign for Fanconi anemia complementation group N; Pancreatic cancer, susceptibility to, 3; Breast-ovarian cancer, familial, susceptibility to, 5. Last evaluated: 2024-04-18. Review status: criteria provided, single submitter. Criteria: ACMG Guidelines, 2015. Collection method: clinical testing. Allele origin: germline. Affected: no.

Quest Diagnostics Nichols Institute San Juan Capistrano
Classification: Likely benign. Last evaluated: 2021-03-15. Review status: criteria provided, single submitter. Criteria: Quest Diagnostics criteria. Collection method: clinical testing. Allele origin: unknown.

GeneDx
Classification: Likely benign. Last evaluated: 2020-09-16. Review status: criteria provided, single submitter. Criteria: GeneDx Variant Classification Process June 2021. Collection method: clinical testing. Allele origin: germline. Affected: yes.

Color Diagnostics, LLC DBA Color Health
Classification: Likely benign for Hereditary cancer-predisposing syndrome. Last evaluated: 2017-11-12. Review status: criteria provided, single submitter. Criteria: ACMG Guidelines, 2015. Collection method: clinical testing. Allele origin: germline.

Ambry Genetics
Classification: Likely benign for Hereditary cancer-predisposing syndrome. Last evaluated: 2016-10-24. Review status: criteria provided, single submitter. Criteria: Ambry Variant Classification Scheme 2023. Collection method: clinical testing. Allele origin: germline.

PreventionGenetics, part of Exact Sciences
Classification: Likely benign for PALB2-related condition. Last evaluated: 2019-12-10. Review status: no assertion criteria provided. Collection method: clinical testing. Allele origin: germline. Not counted in ClinVar's aggregate classification.
Comment: This variant is classified as likely benign based on ACMG/AMP sequence variant interpretation guidelines (Richards et al. 2015 PMID: 25741868, with internal and published modifications).

NM_024675.4(PALB2):c.1398T>G (p.Ser466=)

Gene: PALB2 (partner and localizer of BRCA2; minus strand). Cytogenetic location: 16p12.2.
Variant type: single nucleotide variant.
Coding change: c.1398T>G on transcript NM_024675.4 (MANE Select); coding-DNA position 1398, T replaced by G.
Protein change: p.Ser466=; no amino-acid change (serine 466 retained).
Molecular consequence: synonymous variant.
Genome position (GRCh38, 1-based): chr16:23,635,148, A>C on the plus strand (T>G on the coding strand, the complement: PALB2 is on the minus strand). VCF-style: chr16-23635148-A-C. GRCh37 (hg19) VCF-style: chr16-23646469-A-C.
Identifiers: ClinVar variation 460892 (VCV000460892.26), dbSNP rs780026905, ClinGen allele CA7963710.